The following is an entry in ClinVar:

NM_144643.4(SCLT1):c.503A>G (p.His168Arg)

Gene: SCLT1 (sodium channel and clathrin linker 1; minus strand). Cytogenetic location: 4q28.2.
Variant type: single nucleotide variant.
Coding change: c.503A>G on transcript NM_144643.4 (MANE Select); coding-DNA position 503, A replaced by G.
Protein change: p.His168Arg; replaces histidine 168 with arginine.
Molecular consequence: missense variant.
Genome position (GRCh38, 1-based): chr4:128,999,718, T>C on the plus strand (A>G on the coding strand, the complement: SCLT1 is on the minus strand). VCF-style: chr4-128999718-T-C. GRCh37 (hg19) VCF-style: chr4-129920873-T-C.
Other names: c.503A>G, p.His168Arg (NM_001410807.1); short protein forms H168R.
Identifiers: ClinVar variation 4694343 (VCV004694343.1).

ClinVar aggregate classification (germline): Uncertain significance (1 of 4 stars; one submission).

gnomAD v4.1: 3 of 1,608,448 alleles (0.00019%); highest among the groups gnomAD compares: Non-Finnish European, 0.00017%; no homozygotes.

Submission:

Labcorp Genetics (formerly Invitae), Labcorp
Classification: Uncertain significance. Last evaluated: 2025-02-19. Review status: criteria provided, single submitter. Criteria: Invitae Variant Classification Sherloc (09022015). Collection method: clinical testing. Allele origin: germline.
Comment: This sequence change replaces histidine, which is basic and polar, with arginine, which is basic and polar, at codon 168 of the SCLT1 protein (p.His168Arg). This variant is not present in population databases (gnomAD no frequency). This variant has not been reported in the literature in individuals affected with SCLT1-related conditions. An algorithm developed to predict the effect of missense changes on protein structure and function (PolyPhen-2) suggests that this variant is likely to be tolerated. In summary, the available evidence is currently insufficient to determine the role of this variant in disease. Therefore, it has been classified as a Variant of Uncertain Significance.